The following is an entry in ClinVar:

NM_001367624.2(ZNF469):c.7805T>C (p.Leu2602Pro)

Gene: ZNF469 (zinc finger protein 469; plus strand). Cytogenetic location: 16q24.2.
Variant type: single nucleotide variant.
Coding change: c.7805T>C on transcript NM_001367624.2 (MANE Select); coding-DNA position 7805, T replaced by C.
Protein change: p.Leu2602Pro; replaces leucine 2602 with proline.
Molecular consequence: missense variant.
Genome position (GRCh38, 1-based): chr16:88,435,275, T>C. VCF-style: chr16-88435275-T-C. GRCh37 (hg19) VCF-style: chr16-88501683-T-C.
Other names: NM_001127464.1:c.7721T>C; NM_001127464.2:c.7721T>C; p.Leu2602Pro; short protein forms L2602P.
Identifiers: ClinVar variation 320977 (VCV000320977.21), dbSNP rs150488251, ClinGen allele CA8225282.

ClinVar aggregate classification (germline): Benign/Likely benign. Review status: criteria provided, multiple submitters, no conflicts (2 of 4 stars). 8 submissions from 8 submitters: Benign (6); Likely benign (2). Last evaluated 2026-04-01.

Conditions:
Cardiovascular phenotype. Identifiers: MedGen CN230736.
Ehlers-Danlos syndrome (EDS). Identifiers: Orphanet 98249, MedGen C0013720, MONDO:0020066.
Brittle cornea syndrome 1 (BCS1). Also called: Corneal fragility keratoglobus, blue sclerae AND joint hypermobility; DYSGENESIS MESODERMALIS CORNEAE ET SCLERAE; CORNEAL FRAGILITY, KERATOGLOBUS, BLUE SCLERAE, JOINT HYPEREXTENSIBILITY; EDS6B; FRAGILITAS OCULI WITH JOINT HYPEREXTENSIBILITY. Identifiers: Orphanet 90354, MedGen C0268344, MONDO:0024543, OMIM 229200.

Allele frequency attached by ClinVar (database versions not stated): gnomAD exomes 0.00061 and 0.00167; ExAC 0.00261; gnomAD 0.00667 and 0.00706; TOPMed 0.00728; 1000 Genomes Project 0.00919; 1000 Genomes Project 30x 0.01077.
gnomAD v4.1: 1,919 of 1,550,278 alleles (0.12%); highest among the groups gnomAD compares: African/African-American, 2.2%; 24 homozygotes.

Submissions (8):

Women's Health and Genetics/Laboratory Corporation of America, LabCorp
Classification: Benign. Last evaluated: 2026-04-01. Review status: criteria provided, single submitter. Criteria: LabCorp Variant Classification Summary - May 2015. Collection method: clinical testing. Allele origin: germline.
Comment: Variant summary: ZNF469 c.7805T>C (p.Leu2602Pro) results in a non-conservative amino acid change in the encoded protein sequence. Algorithms developed to predict the effect of missense changes on protein structure and function are either unavailable or do not agree on the potential impact of this missense change. The variant allele was found at a frequency of 0.0017 in 153022 control chromosomes, predominantly at a frequency of 0.024 within the African or African-American subpopulation in the gnomAD database, including 4 homozygotes. The observed variant frequency within African or African-American control individuals in the gnomAD database exceeds the estimated maximal expected allele frequency for disease-causing variants in ZNF469. To our knowledge, no occurrence of c.7805T>C in individuals affected with ZNF469-related conditions and no experimental evidence demonstrating its impact on protein function have been reported. ClinVar contains an entry for this variant (Variation ID: 320977). Based on the evidence outlined above, the variant was classified as benign.

Labcorp Genetics (formerly Invitae), Labcorp
Classification: Benign. Last evaluated: 2026-01-31. Review status: criteria provided, single submitter. Criteria: Invitae Variant Classification Sherloc (09022015). Collection method: clinical testing. Allele origin: germline.

Mayo Clinic Laboratories, Mayo Clinic
Classification: Benign. Last evaluated: 2023-06-22. Review status: criteria provided, single submitter. Criteria: ACMG Guidelines, 2015. Collection method: clinical testing. Allele origin: germline. Observed: 7 variant alleles.
Comment: BS1, BS2, BP4_strong

Genome Diagnostics Laboratory, The Hospital for Sick Children
Classification: Likely benign for Ehlers-Danlos syndrome. Last evaluated: 2022-02-17. Review status: criteria provided, single submitter. Criteria: ACMG Guidelines, 2015. Collection method: clinical testing. Allele origin: germline.

Genome-Nilou Lab
Classification: Benign for Brittle cornea syndrome 1. Last evaluated: 2021-12-05. Review status: criteria provided, single submitter. Criteria: ACMG Guidelines, 2015. Collection method: clinical testing. Allele origin: germline. Affected: no.

Ambry Genetics
Classification: Benign for Cardiovascular phenotype. Last evaluated: 2019-06-10. Review status: criteria provided, single submitter. Criteria: Ambry Variant Classification Scheme 2023. Collection method: clinical testing. Allele origin: germline.

GeneDx
Classification: Benign. Last evaluated: 2018-06-05. Review status: criteria provided, single submitter. Criteria: GeneDx Variant Classification Process June 2021. Collection method: clinical testing. Allele origin: germline. Affected: yes.

Breakthrough Genomics
Classification: Likely benign. Review status: criteria provided, single submitter. Criteria: ACMG Guidelines, 2015. Collection method: not provided. Allele origin: germline. Inheritance: Autosomal recessive inheritance. Affected: yes.